The following is an entry in ClinVar:

ClinVar aggregate classification (germline): Pathogenic (1 of 4 stars; one submission).

Submission:

Labcorp Genetics (formerly Invitae), Labcorp
Classification: Pathogenic. Last evaluated: 2021-08-31. Review status: criteria provided, single submitter. Criteria: Invitae Variant Classification Sherloc (09022015). Collection method: clinical testing. Allele origin: germline.
Comment: For these reasons, this variant has been classified as Pathogenic. Retrotransposon insertions including LINE1 (L1), Alu, and SVA (SINE-VNTR-Alu) have been reported to be disease-causing through disruption of either a coding region or splice site (PMID: 19763152, 20307669, 22406018) and loss-of-function variants in MUT are known to be pathogenic (PMID: 15781192). This variant has not been reported in the literature in individuals affected with MUT-related conditions. This variant is not present in population databases (ExAC no frequency). This sequence change inserts a large fragment of DNA, likely a transposable element, in exon 3 of the MUT gene (c.522_523ins?), causing a frameshift at codon 175 (p.Asp175fs). The exact size and sequence of the insertion cannot be determined by the current assay. However, the insertion is expected to result in an absent or disrupted protein product.

Literature cited by the submitters: PubMed 19763152; PubMed 20307669; PubMed 22406018; PubMed 15781192.

NM_000255.4(MMUT):c.522_523insTTTTTTTTTTTTTTTTTTTTNNNNNNNNNNCAGTGTGGCGATTCCTCAGGGATCTAGAACTAGAAATACCATTTGACCCAGCCATCCCATTACTGGGTATATACCAAAATTCTTTTT (p.Asp175delinsPhePhePhePhePhePheXaaXaaXaaXaaGlnCysGlyAspSerSerGlyIleTer)

Gene: MMUT (methylmalonyl-CoA mutase; minus strand). Cytogenetic location: 6p12.3.
Variant type: Microsatellite.
Coding change: c.522_523insTTTTTTTTTTTTTTTTTTTTNNNNNNNNNNCAGTGTGGCGATTCCTCAGGGATCTAGAACTAGAAATACCATTTGACCCAGCCATCCCATTACTGGGTATATACCAAAATTCTTTTT on transcript NM_000255.4 (MANE Select); coding-DNA positions 522 to 523, TTTTTTTTTTTTTTTTTTTTNNNNNNNNNNCAGTGTGGCGATTCCTCAGGGATCTAGAACTAGAAATACCATTTGACCCAGCCATCCCATTACTGGGTATATACCAAAATTCTTTTT inserted.
Protein change: p.Asp175delinsPhePhePhePhePhePheXaaXaaXaaXaaGlnCysGlyAspSerSerGlyIleTer.
Molecular consequence: nonsense.
Genome position: GRCh38: chr6:49,457,922-49,457,938. GRCh37 (hg19): chr6:49,425,635-49,425,651.
Identifiers: ClinVar variation 1441625 (VCV001441625.6).